The following is an entry in ClinVar:

ClinVar aggregate classification (germline): Likely pathogenic (1 of 4 stars; one submission).

Submission:

Labcorp Genetics (formerly Invitae), Labcorp
Classification: Likely pathogenic. Last evaluated: 2023-09-06. Review status: criteria provided, single submitter. Criteria: Invitae Variant Classification Sherloc (09022015). Collection method: clinical testing. Allele origin: germline.
Comment: This sequence change replaces glycine, which is neutral and non-polar, with arginine, which is basic and polar, at codon 152 of the NACC1 protein (p.Gly152Arg). This variant is not present in population databases (gnomAD no frequency). This missense change has been observed in individual(s) with clinical features of developmental and epileptic encephalopathy (Invitae). In at least one individual the variant was observed to be de novo. Advanced modeling of protein sequence and biophysical properties (such as structural, functional, and spatial information, amino acid conservation, physicochemical variation, residue mobility, and thermodynamic stability) performed at Invitae indicates that this missense variant is not expected to disrupt NACC1 protein function. In summary, the currently available evidence indicates that the variant is pathogenic, but additional data are needed to prove that conclusively. Therefore, this variant has been classified as Likely Pathogenic.

NM_052876.4(NACC1):c.454G>C (p.Gly152Arg)

Gene: NACC1 (nucleus accumbens associated 1; plus strand). Cytogenetic location: 19p13.13.
Variant type: single nucleotide variant.
Coding change: c.454G>C on transcript NM_052876.4 (MANE Select); coding-DNA position 454, G replaced by C.
Protein change: p.Gly152Arg; replaces glycine 152 with arginine.
Molecular consequence: missense variant.
Genome position (GRCh38, 1-based): chr19:13,135,661, G>C. VCF-style: chr19-13135661-G-C. GRCh37 (hg19) VCF-style: chr19-13246475-G-C.
Other names: short protein forms G152R.
Identifiers: ClinVar variation 2838693 (VCV002838693.3), dbSNP rs2019693030, ClinGen allele CA404325407.